The following is an entry in ClinVar:

ClinVar aggregate classification (germline): Pathogenic/Likely pathogenic. Review status: criteria provided, multiple submitters, no conflicts (2 of 4 stars). 3 submissions from 3 submitters: Pathogenic (1); Likely pathogenic (2). Last evaluated 2024-11-18.

Conditions:
Abetalipoproteinaemia (ABL). Also called: MTP DEFICIENCY; Abetalipoproteinemia; Abetalipoproteinemia neuropathy; Apolipoprotein B deficiency; Congenital betalipoprotein deficiency syndrome. Identifiers: Orphanet 14, MedGen C0000744, MONDO:0008692, OMIM 200100, HP:0008181.
Metabolic syndrome X (AOMS1). Also called: Abdominal obesity-metabolic syndrome 1. Identifiers: MedGen C4552048, MONDO:0011565, OMIM 605552.

Allele frequency attached by ClinVar (database versions not stated): gnomAD exomes below 0.00001; TOPMed below 0.00001; gnomAD 0.00001.

Submissions (3):

Natera, Inc.
Classification: Likely pathogenic for Abetalipoproteinemia. Last evaluated: 2024-11-18. Review status: criteria provided, single submitter. Criteria: Natera Variant Classification Schema (03/2026). Collection method: clinical testing. Allele origin: germline.
Comment: The c.141delC variant in MTTP is a frameshift variant predicted to shift the reading frame beginning at codon 49 and leads to a stop codon 31 codons downstream. This variant is expected to result in nonsense mediated decay, truncation, or a dysfunctional protein product. This variant is rare in the general population with a frequency below the threshold expected for the associated phenotype(s). Given the available evidence, this variant is classified as Likely Pathogenic.

Labcorp Genetics (formerly Invitae), Labcorp
Classification: Pathogenic. Last evaluated: 2023-09-19. Review status: criteria provided, single submitter. Criteria: Invitae Variant Classification Sherloc (09022015). Collection method: clinical testing. Allele origin: germline.
Comment: This sequence change creates a premature translational stop signal (p.Gly49Glufs*31) in the MTTP gene. It is expected to result in an absent or disrupted protein product. Loss-of-function variants in MTTP are known to be pathogenic (PMID: 8533758, 9671739). This variant is present in population databases (no rsID available, gnomAD 0.0009%). This variant has not been reported in the literature in individuals affected with MTTP-related conditions. ClinVar contains an entry for this variant (Variation ID: 1075423). For these reasons, this variant has been classified as Pathogenic.

Fulgent Genetics
Classification: Likely pathogenic for Abetalipoproteinaemia; Metabolic syndrome X. Last evaluated: 2021-10-28. Review status: criteria provided, single submitter. Criteria: ACMG Guidelines, 2015. Collection method: clinical testing. Allele origin: unknown.

Literature cited by the submitters: PubMed 8533758 (cited by Labcorp Genetics (formerly Invitae), Labcorp); PubMed 9671739 (cited by Labcorp Genetics (formerly Invitae), Labcorp).

NM_001386140.1(MTTP):c.141del (p.Gly49fs)

Gene: MTTP (microsomal triglyceride transfer protein; plus strand). Cytogenetic location: 4q23.
Variant type: Deletion.
Coding change: c.141del on transcript NM_001386140.1 (MANE Select); coding-DNA position 141, one base deleted (C; older notation c.141delC).
Protein change: p.Gly49fs; shifts the reading frame from glycine 49.
Molecular consequence: frameshift variant. On other transcripts: 5 prime UTR variant (1).
Genome position (GRCh38, 1-based): chr4:99,581,984, C deleted. VCF-style (leftmost placement, unchanged base first): chr4-99581983-GC-G. GRCh37 (hg19) VCF-style: chr4-100503140-GC-G.
Other names: c.141delC (NM_000253.3); c.141del, p.Gly49fs (NM_000253.4); c.-109del (NM_001300785.2); short protein forms G49fs.
Identifiers: ClinVar variation 1075423 (VCV001075423.7), dbSNP rs1228389182, ClinGen allele CA553568365.
Genomic context (GRCh38, chr4:99,581,983, plus strand): 5'-CATTAAATAATGACCGGCTGTACAAGCTCACGTACTCCACTGAAGTTCTTCTTGATCGGG[GC>G]AAAGGAAAACTGCAAGACAGCGTGGGCTACCGCATTTCCTCCAACGTGGATGTGGCCTTA-3'